The following is an entry in ClinVar:

ClinVar aggregate classification (germline): Benign (1 of 4 stars; one submission).

Allele frequency attached by ClinVar (database versions not stated): gnomAD 0.10807 and 0.10953; TOPMed 0.11220; 1000 Genomes Project 0.12660; 1000 Genomes Project 30x 0.12836.
gnomAD v4.1: 16,341 of 152,072 alleles (11%); highest among the groups gnomAD compares: African/African-American, 22%; 1,246 homozygotes.

Submission:

GeneDx
Classification: Benign. Last evaluated: 2018-06-14. Review status: criteria provided, single submitter. Criteria: GeneDx Variant Classification (06012015). Collection method: clinical testing. Allele origin: germline. Affected: yes.
Comment: This variant is considered likely benign or benign based on one or more of the following criteria: it is a conservative change, it occurs at a poorly conserved position in the protein, it is predicted to be benign by multiple in silico algorithms, and/or has population frequency not consistent with disease.

NM_006420.3(ARFGEF2):c.3919-279C>T

Gene: ARFGEF2 (ARF guanine nucleotide exchange factor 2; plus strand). Cytogenetic location: 20q13.13.
Variant type: single nucleotide variant.
Coding change: c.3919-279C>T on transcript NM_006420.3 (MANE Select); 279 bases into the intron before coding-DNA position 3919, C replaced by T.
Molecular consequence: intron variant.
Genome position (GRCh38, 1-based): chr20:49,013,285, C>T. VCF-style: chr20-49013285-C-T. GRCh37 (hg19) VCF-style: chr20-47629822-C-T.
Identifiers: ClinVar variation 667993 (VCV000667993.1), dbSNP rs6095397, ClinGen allele CA315904261.